The following is an entry in ClinVar:

ClinVar aggregate classification (germline): Pathogenic (1 of 4 stars; one submission).

Conditions:
Hereditary breast ovarian cancer syndrome. Also called: Hereditary breast and ovarian cancer; Hereditary breast and/or ovarian cancer syndrome; Hereditary breast and ovarian cancer syndrome; Hereditary breast and ovarian cancer syndrome (HBOC); Breast and ovarian cancer; BRCA1- and BRCA2-Associated Hereditary Breast and Ovarian Cancer. Identifiers: Orphanet 145, MedGen C0677776, MeSH D061325, MONDO:0003582. Disease mechanism: loss of function.

Submission:

Labcorp Genetics (formerly Invitae), Labcorp
Classification: Pathogenic for Hereditary breast ovarian cancer syndrome. Last evaluated: 2019-09-13. Review status: criteria provided, single submitter. Criteria: Invitae Variant Classification Sherloc (09022015). Collection method: clinical testing. Allele origin: germline.
Comment: For these reasons, this variant has been classified as Pathogenic. Loss-of-function variants in BRCA2 are known to be pathogenic (PMID: 20104584). This variant has not been reported in the literature in individuals with BRCA2-related conditions. This variant is not present in population databases (ExAC no frequency). This sequence change creates a premature translational stop signal (p.Ser925Leufs*35) in the BRCA2 gene. It is expected to result in an absent or disrupted protein product.

Literature cited by the submitters: PubMed 20104584.

NM_000059.4(BRCA2):c.2773_2775delinsGA (p.Ser925fs)

Gene: BRCA2 (BRCA2 DNA repair associated; plus strand). Cytogenetic location: 13q13.1.
Variant type: Indel.
Coding change: c.2773_2775delinsGA on transcript NM_000059.4 (MANE Select); coding-DNA positions 2773 to 2775, TCT replaced by GA.
Protein change: p.Ser925fs; shifts the reading frame from serine 925.
Molecular consequence: frameshift variant.
Genome position (GRCh38, 1-based): chr13:32,337,128-32,337,130, TCT replaced by GA. VCF-style: chr13-32337128-TCT-GA. GRCh37 (hg19) VCF-style: chr13-32911265-TCT-GA.
Other names: short protein forms S925fs.
Identifiers: ClinVar variation 966773 (VCV000966773.6), dbSNP rs2072464513, ClinGen allele CA1139663125.
Genomic context (GRCh38, chr13:32,337,128, plus strand): 5'-AATACTAAGGAACTTCATGAAACAGACTTGACTTGTGTAAACGAACCCATTTTCAAGAAC[TCT>GA]ACCATGGTTTTATATGGAGACACAGGTGATAAACAAGCAACCCAAGTGTCAATTAAAAAA-3'